The following is an entry in ClinVar:

ClinVar aggregate classification (germline): Uncertain significance. Review status: criteria provided, multiple submitters, no conflicts (2 of 4 stars). 3 submissions from 3 submitters: Uncertain significance (3). Last evaluated 2025-04-11.

Conditions:
Inborn genetic diseases. Identifiers: MedGen C0950123, MeSH D030342.
Bent bone dysplasia syndrome 1 (BBDS1). Also called: FGFR2-related bent bone dysplasia. Identifiers: Orphanet 313855, MedGen C3281247, MONDO:0013815, OMIM 614592.
Familial scaphocephaly syndrome, McGillivray type. Also called: SCAPHOCEPHALY, MAXILLARY RETRUSION, AND IMPAIRED INTELLECTUAL DEVELOPMENT. Identifiers: Orphanet 168624, MedGen C1865070, MONDO:0012307, OMIM 609579.
Beare-Stevenson cutis gyrata syndrome (BSTVS). Identifiers: Orphanet 1555, MedGen C1852406, MONDO:0007412, OMIM 123790.
Pfeiffer syndrome (ACS5). Also called: ACS V. Identifiers: Orphanet 710, MedGen C0220658, MONDO:0007043, OMIM 101600.
Antley-Bixler syndrome without genital anomalies or disordered steroidogenesis (ABS2). Also called: MULTISYNOSTOTIC OSTEODYSGENESIS WITH LONG BONE FRACTURES; Antley-Bixler Syndrome, Autosomal Dominant; Trapezoidocephaly synostosis syndrome; Osteodysgenesis, multisynostotic with fractures. Identifiers: Orphanet 596008, Orphanet 83, MedGen C2936791, MONDO:0020667, OMIM 207410.
Saethre-Chotzen syndrome (SCS). Also called: ACROCEPHALY, SKULL ASYMMETRY, AND MILD SYNDACTYLY; ACS III; CHOTZEN SYNDROME. Identifiers: Orphanet 794, MedGen C0175699, MONDO:0007042, OMIM 101400.
LADD syndrome 1 (LADD1). Also called: Lacrimoauriculodentodigital syndrome 1. Identifiers: MedGen C5774323, MONDO:0100302, OMIM 149730.
Crouzon syndrome. Also called: CRANIOFACIAL DYSOSTOSIS, TYPE I; Craniofacial dysostosis type 1; Crouzon craniofacial dysostosis; Crouzon disease; Craniofacial dysostosis. Identifiers: Orphanet 207, MedGen C0010273, MeSH D003394, MONDO:0007405, OMIM 123500, HP:0004439.
Jackson-Weiss syndrome (JWS). Also called: CRANIOSYNOSTOSIS, MIDFACIAL HYPOPLASIA, AND FOOT ABNORMALITIES. Identifiers: Orphanet 1540, MedGen C0795998, MONDO:0007400, OMIM 123150. Disease mechanism: loss of function.
Acrocephalosyndactyly type I (ACS1). Also called: Acrocephalo-syndactyly type 1; ACS 1; Syndactylic oxycephaly; Apert syndrome. Identifiers: Orphanet 87, MedGen C0001193, MONDO:0007041, OMIM 101200.
Gastric cancer. Also called: Malignant tumor of stomach; Stomach cancer. Identifiers: MedGen C0024623, MeSH D013274, MONDO:0001056, OMIM 613659, HP:0012126.
FGFR2-related craniosynostosis. Identifiers: MedGen CN231480.

Allele frequency attached by ClinVar (database versions not stated): gnomAD exomes 0.00001; ExAC 0.00002; gnomAD 0.00004; TOPMed 0.00005.
gnomAD v4.1: 13 of 1,613,994 alleles (0.00081%); highest among the groups gnomAD compares: African/African-American, 0.012%; no homozygotes.

Submissions (3):

Ambry Genetics
Classification: Uncertain significance for Inborn genetic diseases. Last evaluated: 2025-04-11. Review status: criteria provided, single submitter. Criteria: Ambry Variant Classification Scheme 2023. Collection method: clinical testing. Allele origin: germline.

Labcorp Genetics (formerly Invitae), Labcorp
Classification: Uncertain significance for FGFR2-related craniosynostosis. Last evaluated: 2024-12-15. Review status: criteria provided, single submitter. Criteria: Invitae Variant Classification Sherloc (09022015). Collection method: clinical testing. Allele origin: germline.
Comment: This sequence change replaces glutamic acid, which is acidic and polar, with alanine, which is neutral and non-polar, at codon 48 of the FGFR2 protein (p.Glu48Ala). This variant is present in population databases (rs200700308, gnomAD 0.02%). This variant has not been reported in the literature in individuals affected with FGFR2-related conditions. ClinVar contains an entry for this variant (Variation ID: 2076324). Invitae Evidence Modeling of protein sequence and biophysical properties (such as structural, functional, and spatial information, amino acid conservation, physicochemical variation, residue mobility, and thermodynamic stability) has been performed for this missense variant. However, the output from this modeling did not meet the statistical confidence thresholds required to predict the impact of this variant on FGFR2 protein function. In summary, the available evidence is currently insufficient to determine the role of this variant in disease. Therefore, it has been classified as a Variant of Uncertain Significance.

Fulgent Genetics
Classification: Uncertain significance for Acrocephalosyndactyly type I; Saethre-Chotzen syndrome; Pfeiffer syndrome; Jackson-Weiss syndrome; Crouzon syndrome; Beare-Stevenson cutis gyrata syndrome; LADD syndrome 1; Antley-Bixler syndrome without genital anomalies or disordered steroidogenesis; Familial scaphocephaly syndrome, McGillivray type; Gastric cancer; Bent bone dysplasia syndrome 1. Last evaluated: 2024-06-05. Review status: criteria provided, single submitter. Criteria: ACMG Guidelines, 2015. Collection method: clinical testing. Allele origin: germline.

NM_000141.5(FGFR2):c.143A>C (p.Glu48Ala)

Gene: FGFR2 (fibroblast growth factor receptor 2; minus strand). Cytogenetic location: 10q26.13.
Variant type: single nucleotide variant.
Coding change: c.143A>C on transcript NM_000141.5 (MANE Select); coding-DNA position 143, A replaced by C.
Protein change: p.Glu48Ala; replaces glutamic acid 48 with alanine.
Molecular consequence: missense variant. On other transcripts: intron variant (9).
Genome position (GRCh38, 1-based): chr10:121,565,671, T>G on the plus strand (A>C on the coding strand, the complement: FGFR2 is on the minus strand). VCF-style: chr10-121565671-T-G. GRCh37 (hg19) VCF-style: chr10-123325185-T-G.
Other names: c.143A>C, p.Glu48Ala (NM_001144913.1, NM_001144914.1, NM_001144917.2 and 3 more transcripts); c.110-14212A>C (NM_001144918.2, NM_001441091.1, NM_001441090.1 and 1 more transcripts); c.110-1092A>C (NM_001441089.1, NM_023029.3, NM_001441088.1 and 2 more transcripts); short protein forms E48A.
Identifiers: ClinVar variation 2076324 (VCV002076324.6), dbSNP rs200700308, ClinGen allele CA5721210.